The following is an entry in ClinVar:

ClinVar aggregate classification (germline): Uncertain significance (1 of 4 stars; one submission).

Submission:

GeneDx
Classification: Uncertain significance. Last evaluated: 2025-05-07. Review status: criteria provided, single submitter. Criteria: GeneDx Variant Classification Process June 2021. Collection method: clinical testing. Allele origin: germline. Affected: yes.
Comment: Not observed at significant frequency in large population cohorts (gnomAD); In silico analysis supports that this missense variant has a deleterious effect on protein structure/function; Has not been previously published as pathogenic or benign to our knowledge

NM_001077350.3(NPRL3):c.1568G>T (p.Arg523Leu)

Gene: NPRL3 (NPR3 like, GATOR1 complex subunit; minus strand). Cytogenetic location: 16p13.3.
Variant type: single nucleotide variant.
Coding change: c.1568G>T on transcript NM_001077350.3 (MANE Select); coding-DNA position 1568, G replaced by T.
Protein change: p.Arg523Leu; replaces arginine 523 with leucine.
Molecular consequence: missense variant.
Genome position (GRCh38, 1-based): chr16:86,847, C>A on the plus strand (G>T on the coding strand, the complement: NPRL3 is on the minus strand). VCF-style: chr16-86847-C-A. GRCh37 (hg19) VCF-style: chr16-136846-C-A.
Other names: c.1031G>T, p.Arg344Leu (NM_001039476.3); c.1334G>T, p.Arg445Leu (NM_001243247.2); c.1493G>T, p.Arg498Leu (NM_001243248.2, NM_001243249.2); short protein forms R344L, R445L, R498L, R523L.
Identifiers: ClinVar variation 4527697 (VCV004527697.1).